The following is an entry in ClinVar:

NM_001199397.3(NEK1):c.2231T>G (p.Leu744Ter)

Gene: NEK1 (NIMA related kinase 1; minus strand). Cytogenetic location: 4q33.
Variant type: single nucleotide variant.
Coding change: c.2231T>G on transcript NM_001199397.3 (MANE Select); coding-DNA position 2231, T replaced by G.
Protein change: p.Leu744Ter; replaces leucine 744 with a stop codon.
Molecular consequence: nonsense. On other transcripts: non-coding transcript variant (1).
Genome position (GRCh38, 1-based): chr4:169,477,327, A>C on the plus strand (T>G on the coding strand, the complement: NEK1 is on the minus strand). VCF-style: chr4-169477327-A-C. GRCh37 (hg19) VCF-style: chr4-170398478-A-C.
Other names: c.2099T>G, p.Leu700Ter (NM_001199398.3, NM_001440622.1); c.1940T>G, p.Leu647Ter (NM_001199399.3); c.2015T>G, p.Leu672Ter (NM_001199400.3, NM_001440623.1); c.2231T>G, p.Leu744Ter (NM_001374418.1, NM_001440620.1); c.2147T>G, p.Leu716Ter (NM_001374419.1, NM_001440621.1, NM_012224.4); c.2096T>G, p.Leu699Ter (NM_001374420.1); c.1925T>G, p.Leu642Ter (NM_001374421.1); c.1526T>G, p.Leu509Ter (NM_001440624.1); and 1 more; short protein forms L465*, L509*, L642*, L647*, L672*, L699*, L700*, L716*.
Identifiers: ClinVar variation 4819004 (VCV004819004.1).

ClinVar aggregate classification (germline): Pathogenic (1 of 4 stars; one submission).

Conditions:
Amyotrophic lateral sclerosis, susceptibility to, 24. Identifiers: MedGen C4693523, MONDO:0054750, OMIM 617892.

gnomAD v4.1: 2 of 1,576,804 alleles (0.00013%); highest among the groups gnomAD compares: South Asian, 0.0012%; no homozygotes.

Submission:

Victorian Clinical Genetics Services, Murdoch Childrens Research Institute
Classification: Pathogenic for Amyotrophic lateral sclerosis, susceptibility to, 24. Last evaluated: 2025-11-24. Review status: criteria provided, single submitter. Criteria: ACMG Guidelines, 2015. Collection method: clinical testing. Allele origin: germline. Affected: yes.
Comment: This variant is classified as Pathogenic. Evidence in support of pathogenic classification: Variant is predicted to cause nonsense-mediated decay (NMD) and loss of protein (premature termination codon is located at least 54 nucleotides upstream of the final exon-exon junction); Variant is present in gnomAD <0.01 (v4: 2 heterozygote(s), 0 homozygote(s)); Other NMD-predicted variant(s) comparable to the one identified in this case have very strong previous evidence for pathogenicity (DECIPHER). NMD-predicted variants have been reported in homozygous individuals with short-rib thoracic dysplasia and in heterozygous individuals with ALS (PMIDs: 22499340, 33445179). Additional information: This variant is heterozygous; This gene is associated with both recessive short-rib thoracic dysplasia 6 with or without polydactyly (MIM#263520) and dominant susceptibility to amyotrophic lateral sclerosis 24 (MIM#617892); Loss of function is a known mechanism of disease in this gene and is associated with short-rib thoracic dysplasia 6 with or without polydactyly (MIM#263520) and susceptibility to amyotrophic lateral sclerosis 24 (MIM#617892); Inheritance information for this variant is not currently available in this individual.

Literature cited by the submitters: PubMed 33445179; PubMed 22499340.